The following is an entry in ClinVar:

ClinVar aggregate classification (germline): Uncertain significance (1 of 4 stars; one submission).

Conditions:
Schuurs-Hoeijmakers syndrome. Also called: PACS1-Related Neurodevelopmental Disorder. Identifiers: Orphanet 329224, MedGen C3554343, MONDO:0014006, OMIM 615009.

Submission:

Labcorp Genetics (formerly Invitae), Labcorp
Classification: Uncertain significance for Schuurs-Hoeijmakers syndrome. Last evaluated: 2025-02-02. Review status: criteria provided, single submitter. Criteria: Invitae Variant Classification Sherloc (09022015). Collection method: clinical testing. Allele origin: germline.
Comment: This sequence change creates a premature translational stop signal (p.Val213Trpfs*9) in the PACS1 gene. It is expected to result in an absent or disrupted protein product. However, the current clinical and genetic evidence is not sufficient to establish whether loss-of-function variants in PACS1 cause disease. This variant is not present in population databases (gnomAD no frequency). This variant has not been reported in the literature in individuals affected with PACS1-related conditions. In summary, the available evidence is currently insufficient to determine the role of this variant in disease. Therefore, it has been classified as a Variant of Uncertain Significance.

NM_018026.4(PACS1):c.636del (p.Val213fs)

Gene: PACS1 (phosphofurin acidic cluster sorting protein 1; plus strand). Cytogenetic location: 11q13.2.
Variant type: Deletion.
Coding change: c.636del on transcript NM_018026.4 (MANE Select); coding-DNA position 636, one base deleted (C; older notation c.636delC).
Protein change: p.Val213fs; shifts the reading frame from valine 213.
Molecular consequence: frameshift variant.
Genome position (GRCh38, 1-based): chr11:66,211,235, C deleted; the last of 2 consecutive C bases (chr11:66,211,234-66,211,235); deleting either gives the same sequence. VCF-style (leftmost placement, unchanged base first): chr11-66211233-GC-G. GRCh37 (hg19) VCF-style: chr11-65978704-GC-G.
Other names: short protein forms V213fs.
Identifiers: ClinVar variation 4712150 (VCV004712150.1).